The following is an entry in ClinVar:

NM_014332.3(SMPX):c.75T>C (p.Phe25=)

Gene: SMPX (small muscle protein X-linked; minus strand). Cytogenetic location: Xp22.12.
Variant type: single nucleotide variant.
Coding change: c.75T>C on transcript NM_014332.3 (MANE Select); coding-DNA position 75, T replaced by C.
Protein change: p.Phe25=; no amino-acid change (phenylalanine 25 retained).
Molecular consequence: synonymous variant. On other transcripts: non-coding transcript variant (1).
Genome position (GRCh38, 1-based): chrX:21,743,807, A>G on the plus strand (T>C on the coding strand, the complement: SMPX is on the minus strand). VCF-style: chrX-21743807-A-G. GRCh37 (hg19) VCF-style: chrX-21761925-A-G.
Identifiers: ClinVar variation 3778539 (VCV003778539.7).

ClinVar aggregate classification (germline): Likely benign (1 of 4 stars; one submission).

Submission:

CeGaT Center for Human Genetics Tuebingen
Classification: Likely benign. Last evaluated: 2025-03-01. Review status: criteria provided, single submitter. Criteria: CeGaT Center For Human Genetics Tuebingen Variant Classification Criteria Version 2. Collection method: clinical testing. Allele origin: germline. Affected: yes. Observed: 1 variant allele.
Comment: SMPX: PM2:Supporting, BP4, BP7